The following is an entry in ClinVar:

NM_002691.4(POLD1):c.1033G>C (p.Gly345Arg)

Gene: POLD1 (DNA polymerase delta 1, catalytic subunit; plus strand). Cytogenetic location: 19q13.33.
Variant type: single nucleotide variant.
Coding change: c.1033G>C on transcript NM_002691.4 (MANE Select); coding-DNA position 1033, G replaced by C.
Protein change: p.Gly345Arg; replaces glycine 345 with arginine.
Molecular consequence: missense variant. On other transcripts: non-coding transcript variant (1).
Genome position (GRCh38, 1-based): chr19:50,403,115, G>C. VCF-style: chr19-50403115-G-C. GRCh37 (hg19) VCF-style: chr19-50906372-G-C.
Other names: c.1033G>C, p.Gly345Arg (NM_001256849.1, NM_001308632.1); c.1033G>C (NM_002691.2); short protein forms G345R.
Identifiers: ClinVar variation 998577 (VCV000998577.9), dbSNP rs1422749121, ClinGen allele CA406978067.

ClinVar aggregate classification (germline): Uncertain significance. Review status: criteria provided, multiple submitters, no conflicts (2 of 4 stars). 2 submissions from 2 submitters: Uncertain significance (2). Last evaluated 2024-11-22.

Conditions:
POLD1-related polyposis and colorectal cancer syndrome (CRCS10). Also called: Colorectal cancer 10; COLORECTAL CANCER, SUSCEPTIBILITY TO, ON CHROMOSOME 19q; Colorectal cancer, susceptibility to, 10. Identifiers: Orphanet 220460, MedGen C2675481, MONDO:0012953, OMIM 612591.
Hereditary cancer-predisposing syndrome. Also called: Tumor predisposition; Hereditary Cancer Syndrome; Hereditary neoplastic syndrome; Neoplastic Syndromes, Hereditary. Identifiers: Orphanet 140162, MedGen C0027672, MeSH D009386, MONDO:0015356.

Allele frequency attached by ClinVar (database versions not stated): gnomAD exomes below 0.00001.
gnomAD v4.1: 1 of 1,564,294 alleles (0.000064%); highest among the groups gnomAD compares: Non-Finnish European, 0.000087%; no homozygotes.

Submissions (2):

Ambry Genetics
Classification: Uncertain significance for Hereditary cancer-predisposing syndrome. Last evaluated: 2024-11-22. Review status: criteria provided, single submitter. Criteria: Ambry Variant Classification Scheme 2023. Collection method: clinical testing. Allele origin: germline.
Comment: The p.G345R variant (also known as c.1033G>C), located in coding exon 8 of the POLD1 gene, results from a G to C substitution at nucleotide position 1033. The glycine at codon 345 is replaced by arginine, an amino acid with dissimilar properties. This amino acid position is conserved. In addition, the in silico prediction for this alteration is inconclusive. Based on the available evidence, the clinical significance of this variant remains unclear.

Labcorp Genetics (formerly Invitae), Labcorp
Classification: Uncertain significance for POLD1-related polyposis and colorectal cancer syndrome. Last evaluated: 2020-05-08. Review status: criteria provided, single submitter. Criteria: Invitae Variant Classification Sherloc (09022015). Collection method: clinical testing. Allele origin: germline.
Comment: This variant has not been reported in the literature in individuals with POLD1-related conditions. In summary, the available evidence is currently insufficient to determine the role of this variant in disease. Therefore, it has been classified as a Variant of Uncertain Significance. Algorithms developed to predict the effect of missense changes on protein structure and function are either unavailable or do not agree on the potential impact of this missense change (SIFT: "Deleterious"; PolyPhen-2: "Probably Damaging"; Align-GVGD: "Class C15"). This variant is not present in population databases (ExAC no frequency). This sequence change replaces glycine with arginine at codon 345 of the POLD1 protein (p.Gly345Arg). The glycine residue is highly conserved and there is a moderate physicochemical difference between glycine and arginine.